The following is an entry in ClinVar:

NM_024422.6(DSC2):c.2033C>T (p.Thr678Ile)

Gene: DSC2 (desmocollin 2; minus strand). Cytogenetic location: 18q12.1.
Variant type: single nucleotide variant.
Coding change: c.2033C>T on transcript NM_024422.6 (MANE Select); coding-DNA position 2033, C replaced by T.
Protein change: p.Thr678Ile; replaces threonine 678 with isoleucine.
Molecular consequence: missense variant.
Genome position (GRCh38, 1-based): chr18:31,071,697, G>A on the plus strand (C>T on the coding strand, the complement: DSC2 is on the minus strand). VCF-style: chr18-31071697-G-A. GRCh37 (hg19) VCF-style: chr18-28651663-G-A.
Other names: p.T678I:ACA>ATA; c.2033C>T, p.Thr678Ile (NM_004949.5); short protein forms T678I.
Identifiers: ClinVar variation 199757 (VCV000199757.14), dbSNP rs794728062, ClinGen allele CA022601.

ClinVar aggregate classification (germline): Uncertain significance. Review status: criteria provided, multiple submitters, no conflicts (2 of 4 stars). 5 submissions from 5 submitters: Uncertain significance (5). Last evaluated 2024-10-28.

Conditions:
Cardiovascular phenotype. Identifiers: MedGen CN230736.
Familial isolated arrhythmogenic right ventricular dysplasia. Identifiers: Orphanet 217656, MedGen C4274968, MONDO:0016342.
Arrhythmogenic right ventricular dysplasia 11. Also called: Arrhythmogenic right ventricular dysplasia 11 with mild palmoplantar keratoderma and woolly hair; Arrhythmogenic Right Ventricular Dysplasia/Cardiomyopathy11; ARRHYTHMOGENIC RIGHT VENTRICULAR DYSPLASIA, FAMILIAL, 11. Identifiers: MedGen C1864850, MONDO:0012506, OMIM 610476.
Cardiomyopathy (CMYO). Also called: Cardiomyopathies. Identifiers: Orphanet 167848, MedGen C0878544, MONDO:0004994, HP:0001638. Inheritance: Various modes of inheritance.

Allele frequency attached by ClinVar (database versions not stated): gnomAD exomes below 0.00001; TOPMed 0.00001.
gnomAD v4.1: 4 of 1,614,078 alleles (0.00025%); highest among the groups gnomAD compares: South Asian, 0.0033%; no homozygotes.

Submissions (5):

Labcorp Genetics (formerly Invitae), Labcorp
Classification: Uncertain significance for Arrhythmogenic right ventricular dysplasia 11. Last evaluated: 2024-10-28. Review status: criteria provided, single submitter. Criteria: Invitae Variant Classification Sherloc (09022015). Collection method: clinical testing. Allele origin: germline.
Comment: This sequence change replaces threonine, which is neutral and polar, with isoleucine, which is neutral and non-polar, at codon 678 of the DSC2 protein (p.Thr678Ile). This variant is not present in population databases (gnomAD no frequency). This variant has not been reported in the literature in individuals affected with DSC2-related conditions. ClinVar contains an entry for this variant (Variation ID: 199757). An algorithm developed to predict the effect of missense changes on protein structure and function (PolyPhen-2) suggests that this variant is likely to be tolerated. In summary, the available evidence is currently insufficient to determine the role of this variant in disease. Therefore, it has been classified as a Variant of Uncertain Significance.

Ambry Genetics
Classification: Uncertain significance for Cardiovascular phenotype. Last evaluated: 2024-05-05. Review status: criteria provided, single submitter. Criteria: Ambry Variant Classification Scheme 2023. Collection method: clinical testing. Allele origin: germline.
Comment: The p.T678I variant (also known as c.2033C>T), located in coding exon 13 of the DSC2 gene, results from a C to T substitution at nucleotide position 2033. The threonine at codon 678 is replaced by isoleucine, an amino acid with similar properties. This amino acid position is conserved. In addition, this alteration is predicted to be tolerated by in silico analysis. Based on the available evidence, the clinical significance of this variant remains unclear.

Color Diagnostics, LLC DBA Color Health
Classification: Uncertain significance for Cardiomyopathy. Last evaluated: 2024-03-06. Review status: criteria provided, single submitter. Criteria: ACMG Guidelines, 2015. Collection method: clinical testing. Allele origin: germline.
Comment: This missense variant replaces threonine with isoleucine at codon 678 of the DSC2 protein. Computational prediction suggests that this variant may not impact protein structure and function (internally defined REVEL score threshold <= 0.5, PMID: 27666373). To our knowledge, functional studies have not been reported for this variant. This variant has not been reported in individuals affected with DSC2-related disorders in the literature. This variant has not been identified in the general population by the Genome Aggregation Database (gnomAD). The available evidence is insufficient to determine the role of this variant in disease conclusively. Therefore, this variant is classified as a Variant of Uncertain Significance.

GeneDx
Classification: Uncertain significance. Last evaluated: 2023-04-06. Review status: criteria provided, single submitter. Criteria: GeneDx Variant Classification Process June 2021. Collection method: clinical testing. Allele origin: germline. Affected: yes.
Comment: Not observed at significant frequency in large population cohorts (gnomAD); In silico analysis supports that this missense variant does not alter protein structure/function; Has not been previously published as pathogenic or benign to our knowledge

All of Us Research Program, National Institutes of Health
Classification: Uncertain significance for Familial isolated arrhythmogenic right ventricular dysplasia. Last evaluated: 2023-03-28. Review status: criteria provided, single submitter. Criteria: ACMG Guidelines, 2015. Collection method: clinical testing. Allele origin: germline. Inheritance: Autosomal dominant inheritance. Observed: 1 variant allele, 1 heterozygote.
Comment: This missense variant replaces threonine with isoleucine at codon 678 of the DSC2 protein. Computational prediction tool suggests that this variant may not impact protein structure and function (internally defined REVEL score threshold <=0.5, PMID: 27666373). Splice site prediction tools suggest that this variant may not impact RNA splicing. To our knowledge, functional studies have not been performed for this variant. This variant has not been reported in individuals affected with cardiovascular disorders in the literature. This variant has not been identified in the general population by the Genome Aggregation Database (gnomAD). The available evidence is insufficient to determine the role of this variant in disease conclusively. Therefore, this variant is classified as a Variant of Uncertain Significance.

This study involves interpretation of variants in research participants for the purpose of population health screening. Participant phenotype was not available at the time of variant classification. Additional details can be found in publication PMID: 35346344, PMCID: PMC8962531